The following is an entry in ClinVar:

NM_000092.5(COL4A4):c.4190C>T (p.Pro1397Leu)

Gene: COL4A4 (collagen type IV alpha 4 chain; minus strand). Cytogenetic location: 2q36.3.
Variant type: single nucleotide variant.
Coding change: c.4190C>T on transcript NM_000092.5 (MANE Select); coding-DNA position 4190, C replaced by T.
Protein change: p.Pro1397Leu; replaces proline 1397 with leucine.
Molecular consequence: missense variant.
Genome position (GRCh38, 1-based): chr2:227,022,074, G>A on the plus strand (C>T on the coding strand, the complement: COL4A4 is on the minus strand). VCF-style: chr2-227022074-G-A. GRCh37 (hg19) VCF-style: chr2-227886790-G-A.
Other names: short protein forms P1397L.
Identifiers: ClinVar variation 4776015 (VCV004776015.1).

ClinVar aggregate classification (germline): Uncertain significance (1 of 4 stars; one submission).

Submission:

Labcorp Genetics (formerly Invitae), Labcorp
Classification: Uncertain significance. Last evaluated: 2026-01-06. Review status: criteria provided, single submitter. Criteria: Invitae Variant Classification Sherloc (09022015). Collection method: clinical testing. Allele origin: germline.
Comment: This sequence change replaces proline, which is neutral and non-polar, with leucine, which is neutral and non-polar, at codon 1397 of the COL4A4 protein (p.Pro1397Leu). This variant is not present in population databases (gnomAD no frequency). This variant has not been reported in the literature in individuals affected with COL4A4-related conditions. Invitae Evidence Modeling of protein sequence and biophysical properties (such as structural, functional, and spatial information, amino acid conservation, physicochemical variation, residue mobility, and thermodynamic stability) indicates that this missense variant is not expected to disrupt COL4A4 protein function with a negative predictive value of 95%. In summary, the available evidence is currently insufficient to determine the role of this variant in disease. Therefore, it has been classified as a Variant of Uncertain Significance.